The following is an entry in ClinVar:

NM_001170629.2(CHD8):c.5264C>T (p.Ala1755Val)

Gene: CHD8 (chromodomain helicase DNA binding protein 8; minus strand). Cytogenetic location: 14q11.2.
Variant type: single nucleotide variant.
Coding change: c.5264C>T on transcript NM_001170629.2 (MANE Select); coding-DNA position 5264, C replaced by T.
Protein change: p.Ala1755Val; replaces alanine 1755 with valine.
Molecular consequence: missense variant.
Genome position (GRCh38, 1-based): chr14:21,395,038, G>A on the plus strand (C>T on the coding strand, the complement: CHD8 is on the minus strand). VCF-style: chr14-21395038-G-A. GRCh37 (hg19) VCF-style: chr14-21863197-G-A.
Other names: c.4427C>T, p.Ala1476Val (NM_020920.4); short protein forms A1476V, A1755V.
Identifiers: ClinVar variation 3618045 (VCV003618045.2).
Genomic context (GRCh38, chr14:21,395,038, plus strand): 5'-CGGTCCCCACGTTCTGCAGCCTCTATCTTCATTTGTTCTCTCTTGTAGCTGCGCTGATAC[G>A]CTGTTACTAGACGCCGAAGCCTAGCTGTTAGGGCAGAGCCCGGAGGCCAGAATAAATGGC-3'
Protein context (NP_001164100.1, residues 1745-1765): LTARLRRLVT[Ala1755Val]YQRSYKREQM

ClinVar aggregate classification (germline): Uncertain significance (1 of 4 stars; one submission).

gnomAD v4.1: 11 of 1,614,016 alleles (0.00068%); highest among the groups gnomAD compares: South Asian, 0.0011%; no homozygotes.

Submission:

Labcorp Genetics (formerly Invitae), Labcorp
Classification: Uncertain significance. Last evaluated: 2024-04-03. Review status: criteria provided, single submitter. Criteria: Invitae Variant Classification Sherloc (09022015). Collection method: clinical testing. Allele origin: germline.
Comment: This sequence change replaces alanine, which is neutral and non-polar, with valine, which is neutral and non-polar, at codon 1755 of the CHD8 protein (p.Ala1755Val). This variant is not present in population databases (gnomAD no frequency). This variant has not been reported in the literature in individuals affected with CHD8-related conditions. Advanced modeling of protein sequence and biophysical properties (such as structural, functional, and spatial information, amino acid conservation, physicochemical variation, residue mobility, and thermodynamic stability) has been performed at Invitae for this missense variant, however the output from this modeling did not meet the statistical confidence thresholds required to predict the impact of this variant on CHD8 protein function. In summary, the available evidence is currently insufficient to determine the role of this variant in disease. Therefore, it has been classified as a Variant of Uncertain Significance.